The following is an entry in ClinVar:

NM_000059.4(BRCA2):c.5017dup (p.Thr1673fs)

Gene: BRCA2 (BRCA2 DNA repair associated; plus strand). Cytogenetic location: 13q13.1.
Variant type: Duplication.
Coding change: c.5017dup on transcript NM_000059.4 (MANE Select); coding-DNA position 5017, one base duplicated (A; older notation c.5017dupA).
Protein change: p.Thr1673fs; shifts the reading frame from threonine 1673.
Molecular consequence: frameshift variant.
Genome position (GRCh38, 1-based): chr13:32,339,372, A duplicated. VCF-style (leftmost placement, unchanged base first): chr13-32339371-C-CA. GRCh37 (hg19) VCF-style: chr13-32913508-C-CA.
Other names: short protein forms T1673fs.
Identifiers: ClinVar variation 825374 (VCV000825374.4), dbSNP rs1593904158, ClinGen allele CA915948481.

ClinVar aggregate classification (germline): Pathogenic (1 of 4 stars; one submission).

Conditions:
Hereditary cancer-predisposing syndrome. Also called: Neoplastic Syndromes, Hereditary; Tumor predisposition; Hereditary neoplastic syndrome; Hereditary Cancer Syndrome. Identifiers: Orphanet 140162, MedGen C0027672, MeSH D009386, MONDO:0015356.

Submission:

Ambry Genetics
Classification: Pathogenic for Hereditary cancer-predisposing syndrome. Last evaluated: 2019-10-01. Review status: criteria provided, single submitter. Criteria: Ambry Variant Classification Scheme 2023. Collection method: clinical testing. Allele origin: germline.
Comment: The c.5017dupA pathogenic mutation, located in coding exon 10 of the BRCA2 gene, results from a duplication of A at nucleotide position 5017, causing a translational frameshift with a predicted alternate stop codon (p.T1673Nfs*4). This alteration is expected to result in loss of function by premature protein truncation or nonsense-mediated mRNA decay. As such, this alteration is interpreted as a disease-causing mutation.